The following is an entry in ClinVar:

ClinVar aggregate classification (germline): Conflicting classifications of pathogenicity. Review status: criteria provided, conflicting classifications (1 of 4 stars). 5 submissions from 5 submitters: Uncertain significance (3); Likely benign (1). 1 of the submissions does not count toward it. Last evaluated 2026-08-18.

Conditions:
RARS1-related disorder. Also called: RARS1-related condition.
Inborn genetic diseases. Identifiers: MedGen C0950123, MeSH D030342.
Leukodystrophy, hypomyelinating, 9. Identifiers: Orphanet 438114, MedGen C4015323, MONDO:0014506, OMIM 616140.

Allele frequency attached by ClinVar (database versions not stated): ESP Exome Variant Server 0.00046; gnomAD exomes 0.00020 and 0.00008; ExAC 0.00021; gnomAD 0.00044 and 0.00049; TOPMed 0.00054; 1000 Genomes Project 0.00020; 1000 Genomes Project 30x 0.00031.
gnomAD v4.1: 195 of 1,607,368 alleles (0.012%); highest among the groups gnomAD compares: African/African-American, 0.15%; no homozygotes.

Submissions (5):

GeneDx
Classification: Uncertain significance. Last evaluated: 2026-08-18. Review status: criteria provided, single submitter. Criteria: GeneDx Variant Classification Process June 2021. Collection method: clinical testing. Allele origin: germline.
Comment: Has not been previously published as pathogenic or benign to our knowledge; In silico analysis suggests that this missense variant does not alter protein structure/function

Labcorp Genetics (formerly Invitae), Labcorp
Classification: Uncertain significance. Last evaluated: 2025-05-22. Review status: criteria provided, single submitter. Criteria: Invitae Variant Classification Sherloc (09022015). Collection method: clinical testing. Allele origin: germline.
Comment: This sequence change replaces proline, which is neutral and non-polar, with leucine, which is neutral and non-polar, at codon 69 of the RARS protein (p.Pro69Leu). This variant is present in population databases (rs34446466, gnomAD 0.1%). This variant has not been reported in the literature in individuals affected with RARS-related conditions. ClinVar contains an entry for this variant (Variation ID: 1254187). An algorithm developed to predict the effect of missense changes on protein structure and function (PolyPhen-2) suggests that this variant is likely to be tolerated. In summary, the available evidence is currently insufficient to determine the role of this variant in disease. Therefore, it has been classified as a Variant of Uncertain Significance.

Ambry Genetics
Classification: Likely benign for Inborn genetic diseases. Last evaluated: 2021-07-06. Review status: criteria provided, single submitter. Criteria: Ambry Variant Classification Scheme 2023. Collection method: clinical testing. Allele origin: germline.

Baylor Genetics
Classification: Uncertain significance for Leukodystrophy, hypomyelinating, 9. Last evaluated: 2021-02-09. Review status: criteria provided, single submitter. Criteria: ACMG Guidelines, 2015. Collection method: clinical testing. Allele origin: unknown.

PreventionGenetics, part of Exact Sciences
Classification: Likely benign for RARS1-related condition. Last evaluated: 2023-07-28. Review status: no assertion criteria provided. Collection method: clinical testing. Allele origin: germline. Not counted in ClinVar's aggregate classification.
Comment: This variant is classified as likely benign based on ACMG/AMP sequence variant interpretation guidelines (Richards et al. 2015 PMID: 25741868, with internal and published modifications).

NM_002887.4(RARS1):c.206C>T (p.Pro69Leu)

Gene: RARS1 (arginyl-tRNA synthetase 1; plus strand). Cytogenetic location: 5q34.
Variant type: single nucleotide variant.
Coding change: c.206C>T on transcript NM_002887.4 (MANE Select); coding-DNA position 206, C replaced by T.
Protein change: p.Pro69Leu; replaces proline 69 with leucine.
Molecular consequence: missense variant.
Genome position (GRCh38, 1-based): chr5:168,492,684, C>T. VCF-style: chr5-168492684-C-T. GRCh37 (hg19) VCF-style: chr5-167919689-C-T.
Other names: short protein forms P69L.
Identifiers: ClinVar variation 1254187 (VCV001254187.10), dbSNP rs34446466, ClinGen allele CA3549557.